The following is an entry in ClinVar:

NM_020754.4(ARHGAP31):c.2365A>G (p.Thr789Ala)

Gene: ARHGAP31 (Rho GTPase activating protein 31; plus strand). Cytogenetic location: 3q13.33.
Variant type: single nucleotide variant.
Coding change: c.2365A>G on transcript NM_020754.4 (MANE Select); coding-DNA position 2365, A replaced by G.
Protein change: p.Thr789Ala; replaces threonine 789 with alanine.
Molecular consequence: missense variant.
Genome position (GRCh38, 1-based): chr3:119,414,294, A>G. VCF-style: chr3-119414294-A-G. GRCh37 (hg19) VCF-style: chr3-119133141-A-G.
Other names: short protein forms T789A.
Identifiers: ClinVar variation 1407793 (VCV001407793.6), dbSNP rs754970229, ClinGen allele CA2554019.

ClinVar aggregate classification (germline): Uncertain significance (1 of 4 stars; one submission).

gnomAD v4.1: 6 of 1,613,742 alleles (0.00037%); highest among the groups gnomAD compares: Middle Eastern, 0.017%; no homozygotes.

Submission:

Labcorp Genetics (formerly Invitae), Labcorp
Classification: Uncertain significance. Last evaluated: 2023-08-17. Review status: criteria provided, single submitter. Criteria: Invitae Variant Classification Sherloc (09022015). Collection method: clinical testing. Allele origin: germline.
Comment: Algorithms developed to predict the effect of missense changes on protein structure and function output the following: SIFT: "Not Available"; PolyPhen-2: "Benign"; Align-GVGD: "Not Available". The alanine amino acid residue is found in multiple mammalian species, which suggests that this missense change does not adversely affect protein function. ClinVar contains an entry for this variant (Variation ID: 1407793). This variant has not been reported in the literature in individuals affected with ARHGAP31-related conditions. This variant is present in population databases (rs754970229, gnomAD 0.006%). This sequence change replaces threonine, which is neutral and polar, with alanine, which is neutral and non-polar, at codon 789 of the ARHGAP31 protein (p.Thr789Ala). In summary, the available evidence is currently insufficient to determine the role of this variant in disease. Therefore, it has been classified as a Variant of Uncertain Significance.